The following is an entry in ClinVar:

ClinVar aggregate classification (germline): Likely benign. Review status: criteria provided, multiple submitters, no conflicts (2 of 4 stars). 5 submissions from 5 submitters: Likely benign (5). Last evaluated 2026-02-02.

Conditions:
Hypokalemic periodic paralysis, type 1. Also called: Hypokalemic Periodic Paralysis Type 1 (AD); HypoPP. Identifiers: Orphanet 681, MedGen C3714580, MONDO:0042979, OMIM 170400.
Malignant hyperthermia, susceptibility to, 5 (MHS5). Also called: CACNA1S-Related Malignant Hyperthermia Susceptibility. Identifiers: Orphanet 423, MedGen C1866077, MONDO:0011163, OMIM 601887.

Allele frequency attached by ClinVar (database versions not stated): gnomAD exomes 0.00010; 1000 Genomes Project 0.00020; ExAC 0.00023; 1000 Genomes Project 30x 0.00031; gnomAD 0.00056 and 0.00062; TOPMed 0.00059; ESP Exome Variant Server 0.00062.
gnomAD v4.1: 139 of 1,588,606 alleles (0.0087%); highest among the groups gnomAD compares: African/African-American, 0.17%; no homozygotes.

Submissions (5):

Women's Health and Genetics/Laboratory Corporation of America, LabCorp
Classification: Likely benign. Last evaluated: 2026-02-02. Review status: criteria provided, single submitter. Criteria: LabCorp Variant Classification Summary - May 2015. Collection method: clinical testing. Allele origin: germline.

Labcorp Genetics (formerly Invitae), Labcorp
Classification: Likely benign for Hypokalemic periodic paralysis, type 1; Malignant hyperthermia, susceptibility to, 5. Last evaluated: 2025-10-08. Review status: criteria provided, single submitter. Criteria: Invitae Variant Classification Sherloc (09022015). Collection method: clinical testing. Allele origin: germline.

CeGaT Center for Human Genetics Tuebingen
Classification: Likely benign. Last evaluated: 2025-09-01. Review status: criteria provided, single submitter. Criteria: CeGaT Center For Human Genetics Tuebingen Variant Classification Criteria Version 2. Collection method: clinical testing. Allele origin: germline. Affected: yes. Observed: 1 variant allele.
Comment: CACNA1S: BP4, BP7

Blueprint Genetics
Classification: Likely benign. Last evaluated: 2022-11-28. Review status: criteria provided, single submitter. Criteria: ACMG Guidelines, 2015. Collection method: clinical testing. Allele origin: germline.

Color Diagnostics, LLC DBA Color Health
Classification: Likely benign for Malignant hyperthermia, susceptibility to, 5. Last evaluated: 2022-11-06. Review status: criteria provided, single submitter. Criteria: ACMG Guidelines, 2015. Collection method: clinical testing. Allele origin: germline.

NM_000069.3(CACNA1S):c.2430G>C (p.Leu810=)

Gene: CACNA1S (calcium voltage-gated channel subunit alpha1 S; minus strand). Cytogenetic location: 1q32.1.
Variant type: single nucleotide variant.
Coding change: c.2430G>C on transcript NM_000069.3 (MANE Select); coding-DNA position 2430, G replaced by C.
Protein change: p.Leu810=; no amino-acid change (leucine 810 retained).
Molecular consequence: synonymous variant.
Genome position (GRCh38, 1-based): chr1:201,069,532, C>G on the plus strand (G>C on the coding strand, the complement: CACNA1S is on the minus strand). VCF-style: chr1-201069532-C-G. GRCh37 (hg19) VCF-style: chr1-201038660-C-G.
Identifiers: ClinVar variation 697208 (VCV000697208.21), dbSNP rs146230812, ClinGen allele CA078991.
Genomic context (GRCh38, chr1:201,069,532, plus strand): 5'-CTGATTTCTCATGGAATCAGCCCGGATGGGGTCTTCCGCAGCCAGTGCAGCGCTGCTGAG[C>G]AGGATGAAGAGCAGGATGAAGTTGGTAAACCAGGTGGCATTGACGATGCGGTGACACAGG-3'
Protein context (NP_000060.2, residues 800-820): WFTNFILLFI[Leu810=]LSSAALAAED